The following is an entry in ClinVar:

NM_000186.4(CFH):c.2339G>T (p.Arg780Ile)

Gene: CFH (complement factor H; plus strand). Cytogenetic location: 1q31.3.
Variant type: single nucleotide variant.
Coding change: c.2339G>T on transcript NM_000186.4 (MANE Select); coding-DNA position 2339, G replaced by T.
Protein change: p.Arg780Ile; replaces arginine 780 with isoleucine.
Molecular consequence: missense variant.
Genome position (GRCh38, 1-based): chr1:196,728,448, G>T. VCF-style: chr1-196728448-G-T. GRCh37 (hg19) VCF-style: chr1-196697578-G-T.
Other names: short protein forms R780I.
Identifiers: ClinVar variation 4291471 (VCV004291471.1).

ClinVar aggregate classification (germline): Uncertain significance (1 of 4 stars; one submission).

Conditions:
Atypical hemolytic-uremic syndrome. Identifiers: Orphanet 2134, MedGen C2931788, MONDO:0016244.
Basal laminar drusen. Also called: DRUSEN OF BRUCH MEMBRANE; DRUSEN, CUTICULAR; DRUSEN, EARLY ADULT-ONSET, GROUPED. Identifiers: Orphanet 75376, MedGen C0730295, MONDO:0007472, OMIM 126700.
Factor H deficiency (CFHD). Also called: COMPLEMENT FACTOR H DEFICIENCY; CFH DEFICIENCY. Identifiers: Orphanet 200421, MedGen C0398777, MONDO:0012350, OMIM 609814.
Age related macular degeneration 4. Identifiers: MedGen C1853147, MONDO:0012540, OMIM 610698.

Submission:

Genomenon, Inc
Classification: Uncertain significance for Basal laminar drusen; Age related macular degeneration 4; Atypical hemolytic-uremic syndrome; Factor H deficiency. Last evaluated: 2025-10-02. Review status: criteria provided, single submitter. Criteria: Genomenon Sequence Variant Interpretation Standards - Updated. Collection method: curation. Allele origin: germline. Affected: no.
Comment: CFH p.Arg780Ile (c.2339G>T) is a missense variant that changes the amino acid at residue 780 from Arginine to Isoleucine. This variant has been reported in the published literature (PMID:17089378;25188723). It is absent or not present at a significant frequency in gnomAD. In silico models agree that this variant is not damaging. In conclusion, we classify CFH p.Arg780Ile (c.2339G>T) as a variant of uncertain significance.

Literature cited by the submitters: PubMed 17089378; PubMed 25188723.